The following is an entry in ClinVar:

ClinVar aggregate classification (germline): Benign. Review status: criteria provided, multiple submitters, no conflicts (2 of 4 stars). 3 submissions from 3 submitters: Benign (3). Last evaluated 2026-02-01.

Allele frequency attached by ClinVar (database versions not stated): gnomAD exomes 0.00058 and 0.00132; ExAC 0.00162; 1000 Genomes Project 0.00519; 1000 Genomes Project 30x 0.00547; gnomAD 0.00593 and 0.00633; ESP Exome Variant Server 0.00602; TOPMed 0.00679.
gnomAD v4.1: 1,786 of 1,611,660 alleles (0.11%); highest among the groups gnomAD compares: African/African-American, 2.1%; 21 homozygotes.

Submissions (3):

Labcorp Genetics (formerly Invitae), Labcorp
Classification: Benign. Last evaluated: 2026-02-01. Review status: criteria provided, single submitter. Criteria: Invitae Variant Classification Sherloc (09022015). Collection method: clinical testing. Allele origin: germline.

GeneDx
Classification: Benign. Last evaluated: 2019-10-14. Review status: criteria provided, single submitter. Criteria: GeneDx Variant Classification Process June 2021. Collection method: clinical testing. Allele origin: germline. Affected: yes.

Laboratory for Molecular Medicine, Mass General Brigham Personalized Medicine
Classification: Benign. Last evaluated: 2012-04-30. Review status: criteria provided, single submitter. Criteria: LMM Criteria. Collection method: clinical testing. Allele origin: germline. Observed: 8 variant alleles.
Comment: Thr1358Thr in Exon 11 of TECTA: This variant is not expected to have clinical si gnificance because it does not alter an amino acid residue, is not located withi n the splice consensus sequence, and has been identified in 1.7% (64/3728) of Af rican American chromosomes from a broad population by the NHLBI Exome Sequencing Project (dbSNP rs141674508).

NM_005422.4(TECTA):c.4074G>A (p.Thr1358=)

Genes: TBCEL-TECTA (TBCEL-TECTA readthrough; plus strand), TECTA (tectorin alpha; plus strand). Cytogenetic location: 11q23.3.
Variant type: single nucleotide variant.
Coding change: c.4074G>A on transcript NM_005422.4 (MANE Select); coding-DNA position 4074, G replaced by A.
Protein change: p.Thr1358=; no amino-acid change (threonine 1358 retained).
Molecular consequence: synonymous variant.
Genome position (GRCh38, 1-based): chr11:121,146,085, G>A. VCF-style: chr11-121146085-G-A. GRCh37 (hg19) VCF-style: chr11-121016794-G-A.
Other names: c.5031G>A, p.Thr1677= (NM_001378761.1).
Identifiers: ClinVar variation 45328 (VCV000045328.16), dbSNP rs141674508, ClinGen allele CA136046.